The following is an entry in ClinVar:

ClinVar aggregate classification (germline): Uncertain significance (1 of 4 stars; one submission).

Allele frequency attached by ClinVar (database versions not stated): ExAC 0.00001; gnomAD 0.00001; 1000 Genomes Project 30x 0.00016; 1000 Genomes Project 0.00020.
gnomAD v4.1: 1 of 1,608,442 alleles (0.000062%); highest among the groups gnomAD compares: African/African-American, 0.0013%; no homozygotes.

Submission:

Labcorp Genetics (formerly Invitae), Labcorp
Classification: Uncertain significance. Last evaluated: 2021-07-09. Review status: criteria provided, single submitter. Criteria: Invitae Variant Classification Sherloc (09022015). Collection method: clinical testing. Allele origin: germline.
Comment: In summary, the available evidence is currently insufficient to determine the role of this variant in disease. Therefore, it has been classified as a Variant of Uncertain Significance. Advanced modeling of protein sequence and biophysical properties (such as structural, functional, and spatial information, amino acid conservation, physicochemical variation, residue mobility, and thermodynamic stability) performed at Invitae indicates that this missense variant is not expected to disrupt KMT2A protein function. This sequence change replaces proline with serine at codon 1847 of the KMT2A protein (p.Pro1847Ser). The proline residue is moderately conserved and there is a moderate physicochemical difference between proline and serine. The frequency data for this variant in the population databases is considered unreliable, as metrics indicate poor data quality at this position in the ExAC database. This variant has not been reported in the literature in individuals affected with KMT2A-related conditions.

NM_001197104.2(KMT2A):c.5539C>T (p.Pro1847Ser)

Gene: KMT2A (lysine methyltransferase 2A; plus strand). Cytogenetic location: 11q23.3.
Variant type: single nucleotide variant.
Coding change: c.5539C>T on transcript NM_001197104.2 (MANE Select); coding-DNA position 5539, C replaced by T.
Protein change: p.Pro1847Ser; replaces proline 1847 with serine.
Molecular consequence: missense variant.
Genome position (GRCh38, 1-based): chr11:118,495,875, C>T. VCF-style: chr11-118495875-C-T. GRCh37 (hg19) VCF-style: chr11-118366590-C-T.
Other names: c.5530C>T, p.Pro1844Ser (NM_005933.4); short protein forms P1844S, P1847S.
Identifiers: ClinVar variation 1504359 (VCV001504359.8), dbSNP rs551537456, ClinGen allele CA6304062.